The following is an entry in ClinVar:

NM_138694.4(PKHD1):c.9081_9082dup (p.Ile3028fs)

Gene: PKHD1 (PKHD1 ciliary IPT domain containing fibrocystin/polyductin; minus strand). Cytogenetic location: 6p12.3.
Variant type: Duplication.
Coding change: c.9081_9082dup on transcript NM_138694.4 (MANE Select); coding-DNA positions 9081 to 9082, 2 bases duplicated (CA; older notation c.9081_9082dupCA).
Protein change: p.Ile3028fs; shifts the reading frame from isoleucine 3028.
Molecular consequence: frameshift variant.
Genome position (GRCh38, 1-based): chr6:51,748,534-51,748,535, TG duplicated on the plus strand (CA on the coding strand, the reverse complement: PKHD1 is on the minus strand). VCF-style (leftmost placement, unchanged base first): chr6-51748533-A-ATG. GRCh37 (hg19) VCF-style: chr6-51613331-A-ATG.
Other names: c.9081_9082dup, p.Ile3028fs (NM_170724.3); short protein forms I3028fs.
Identifiers: ClinVar variation 2745033 (VCV002745033.3), dbSNP rs2533830317, ClinGen allele CA2697553463.

ClinVar aggregate classification (germline): Pathogenic (1 of 4 stars; one submission).

Conditions:
Autosomal recessive polycystic kidney disease (ARPKD). Also called: AR polycystic kidney disease. Identifiers: Orphanet 731, Orphanet 8378, MedGen C0085548, MeSH D017044, MONDO:0009889.

Submission:

Labcorp Genetics (formerly Invitae), Labcorp
Classification: Pathogenic for Autosomal recessive polycystic kidney disease. Last evaluated: 2023-07-19. Review status: criteria provided, single submitter. Criteria: Invitae Variant Classification Sherloc (09022015). Collection method: clinical testing. Allele origin: germline.
Comment: This sequence change creates a premature translational stop signal (p.Ile3028Thrfs*12) in the PKHD1 gene. It is expected to result in an absent or disrupted protein product. Loss-of-function variants in PKHD1 are known to be pathogenic (PMID: 19940839). For these reasons, this variant has been classified as Pathogenic. This variant has not been reported in the literature in individuals affected with PKHD1-related conditions. This variant is not present in population databases (gnomAD no frequency).

Literature cited by the submitters: PubMed 19940839.